The following is an entry in ClinVar:

ClinVar aggregate classification (germline): Uncertain significance (1 of 4 stars; one submission).

Submission:

Labcorp Genetics (formerly Invitae), Labcorp
Classification: Uncertain significance. Last evaluated: 2024-10-22. Review status: criteria provided, single submitter. Criteria: Invitae Variant Classification Sherloc (09022015). Collection method: clinical testing. Allele origin: germline.
Comment: This sequence change falls in intron 16 of the ITGAM gene. It does not directly change the encoded amino acid sequence of the ITGAM protein. It affects a nucleotide within the consensus splice site. This variant is not present in population databases (gnomAD no frequency). This variant has not been reported in the literature in individuals affected with ITGAM-related conditions. Variants that disrupt the consensus splice site are a relatively common cause of aberrant splicing (PMID: 17576681, 9536098). Algorithms developed to predict the effect of sequence changes on RNA splicing suggest that this variant is not likely to affect RNA splicing. In summary, the available evidence is currently insufficient to determine the role of this variant in disease. Therefore, it has been classified as a Variant of Uncertain Significance.

Literature cited by the submitters: PubMed 17576681; PubMed 9536098.

NM_000632.4(ITGAM):c.2002+3G>A

Gene: ITGAM (integrin subunit alpha M; plus strand). Cytogenetic location: 16p11.2.
Variant type: single nucleotide variant.
Coding change: c.2002+3G>A on transcript NM_000632.4 (MANE Select); 3 bases into the intron after coding-DNA position 2002, G replaced by A.
Molecular consequence: intron variant.
Genome position (GRCh38, 1-based): chr16:31,321,630, G>A. VCF-style: chr16-31321630-G-A. GRCh37 (hg19) VCF-style: chr16-31332951-G-A.
Other names: c.2005+3G>A (NM_001145808.2).
Identifiers: ClinVar variation 2872789 (VCV002872789.3), dbSNP rs2544489441, ClinGen allele CA2739266738.